The following is an entry in ClinVar:

NM_003072.5(SMARCA4):c.1831C>T (p.Gln611Ter)

Gene: SMARCA4 (SWI/SNF related BAF chromatin remodeling complex subunit ATPase 4; plus strand). Cytogenetic location: 19p13.2.
Variant type: single nucleotide variant.
Coding change: c.1831C>T on transcript NM_003072.5 (MANE Select); coding-DNA position 1831, C replaced by T.
Protein change: p.Gln611Ter; replaces glutamine 611 with a stop codon.
Molecular consequence: nonsense. On other transcripts: non-coding transcript variant (1).
Genome position (GRCh38, 1-based): chr19:11,003,047, C>T. VCF-style: chr19-11003047-C-T. GRCh37 (hg19) VCF-style: chr19-11113723-C-T.
Other names: c.1831C>T, p.Gln611Ter (NM_001128844.3, NM_001128845.2, NM_001128846.2 and 5 more transcripts); short protein forms Q611*.
Identifiers: ClinVar variation 567436 (VCV000567436.7), dbSNP rs1568455217, ClinGen allele CA404051423.

ClinVar aggregate classification (germline): Pathogenic (1 of 4 stars; one submission).

Conditions:
Rhabdoid tumor predisposition syndrome 2 (RTPS2). Identifiers: Orphanet 231108, Orphanet 69077, MedGen C2750074, MONDO:0013224, OMIM 613325.

Submission:

Labcorp Genetics (formerly Invitae), Labcorp
Classification: Pathogenic for Rhabdoid tumor predisposition syndrome 2. Last evaluated: 2018-11-22. Review status: criteria provided, single submitter. Criteria: Invitae Variant Classification Sherloc (09022015). Collection method: clinical testing. Allele origin: germline.
Comment: This variant has not been reported in the literature in individuals with SMARCA4-related conditions. ClinVar contains an entry for this variant (Variation ID: 567436). For these reasons, this variant has been classified as Pathogenic. Loss-of-function variants in SMARCA4 are known to be pathogenic (PMID: 24658001, 24658002). This variant is not present in population databases (ExAC no frequency). This sequence change creates a premature translational stop signal (p.Gln611*) in the SMARCA4 gene. It is expected to result in an absent or disrupted protein product.

Literature cited by the submitters: PubMed 24658001; PubMed 24658002.